The following is an entry in ClinVar:

NM_001348768.2(HECW2):c.82C>T (p.Leu28Phe)

Gene: HECW2 (HECT, C2 and WW domain containing E3 ubiquitin protein ligase 2; minus strand). Cytogenetic location: 2q32.3.
Variant type: single nucleotide variant.
Coding change: c.82C>T on transcript NM_001348768.2 (MANE Select); coding-DNA position 82, C replaced by T.
Protein change: p.Leu28Phe; replaces leucine 28 with phenylalanine.
Molecular consequence: missense variant.
Genome position (GRCh38, 1-based): chr2:196,433,342, G>A on the plus strand (C>T on the coding strand, the complement: HECW2 is on the minus strand). VCF-style: chr2-196433342-G-A. GRCh37 (hg19) VCF-style: chr2-197298066-G-A.
Other names: c.82C>T, p.Leu28Phe (NM_020760.4); short protein forms L28F.
Identifiers: ClinVar variation 1804948 (VCV001804948.1), dbSNP rs1372177672, ClinGen allele CA350016239.

ClinVar aggregate classification (germline): Likely benign (1 of 4 stars; one submission).

Conditions:
Neurodevelopmental disorder with hypotonia, seizures, and absent language (NDHSAL). Identifiers: MedGen C4310643, MONDO:0014995, OMIM 617268.

Allele frequency attached by ClinVar (database versions not stated): gnomAD exomes below 0.00001.
gnomAD v4.1: 2 of 1,614,164 alleles (0.00012%); highest among the groups gnomAD compares: Non-Finnish European, 0.00017%; no homozygotes.

Submission:

Victorian Clinical Genetics Services, Murdoch Childrens Research Institute
Classification: Likely benign for Neurodevelopmental disorder with hypotonia, seizures, and absent language. Last evaluated: 2021-05-06. Review status: criteria provided, single submitter. Criteria: ACMG Guidelines, 2015. Collection method: clinical testing. Allele origin: germline. Inheritance: Autosomal dominant inheritance.
Comment: Based on the classification scheme VCGS_Germline_v1.3.4, this variant is classified as Likely benign. Following criteria are met: 0105 - The mechanism of disease for this gene is not clearly established. (I) 0107 - This gene is associated with autosomal dominant disease. (I) 0200 - Variant is predicted to result in a missense amino acid change from leucine to phenylalanine. (I) 0251 - This variant is heterozygous. (I) 0302 - Variant is present in gnomAD (v2) <0.001 for a dominant condition (1 heterozygote, 0 homozygotes). (SP) 0504 - Same amino acid change has been observed in placental mammals. (SB) 0604 - Variant is not located in an established domain, motif, hotspot or informative constraint region. (I) 0705 - No comparable missense variants have previous evidence for pathogenicity. (I) 0807 - This variant has no previous evidence of pathogenicity. (I) 0904 - Non-segregation of this variant with the phenotype under investigation has been clearly demonstrated. (SB) 1007 - No published functional evidence has been identified for this variant. (I) Legend: (SP) - Supporting pathogenic, (I) - Information, (SB) - Supporting benign